The following is an entry in ClinVar:

ClinVar aggregate classification (germline): Uncertain significance (1 of 4 stars; one submission).

Submission:

Labcorp Genetics (formerly Invitae), Labcorp
Classification: Uncertain significance. Last evaluated: 2024-01-29. Review status: criteria provided, single submitter. Criteria: Invitae Variant Classification Sherloc (09022015). Collection method: clinical testing. Allele origin: germline.
Comment: This variant results in a copy number gain of the genomic region encompassing exon(s) 26-27 of the VAV1 gene. This region includes the termination codon of the gene. This copy number gain extends beyond the assayed region for this gene and therefore may encompass additional genes. As the precise location of this event is unknown, it may be in tandem or it may be located elsewhere in the genome. This variant has not been reported in the literature in individuals affected with VAV1-related conditions. Experimental studies and prediction algorithms are not available or were not evaluated, and the functional significance of this variant is currently unknown. In summary, the available evidence is currently insufficient to determine the role of this variant in disease. Therefore, it has been classified as a Variant of Uncertain Significance.

NC_000019.9:g.(?_6853938)_(6857118_?)dup

Gene: VAV1 (vav guanine nucleotide exchange factor 1; plus strand). Cytogenetic location: 19p13.3.
Variant type: Duplication.
Identifiers: ClinVar variation 1411364 (VCV001411364.5).